The following is an entry in ClinVar:

ClinVar aggregate classification (germline): Uncertain significance (1 of 4 stars; one submission).

Allele frequency attached by ClinVar (database versions not stated): gnomAD exomes below 0.00001.

Submission:

Labcorp Genetics (formerly Invitae), Labcorp
Classification: Uncertain significance. Last evaluated: 2025-04-16. Review status: criteria provided, single submitter. Criteria: Invitae Variant Classification Sherloc (09022015). Collection method: clinical testing. Allele origin: germline.
Comment: This sequence change replaces asparagine, which is neutral and polar, with aspartic acid, which is acidic and polar, at codon 50 of the KCNV2 protein (p.Asn50Asp). This variant is present in population databases (no rsID available, gnomAD 0.0009%). This variant has not been reported in the literature in individuals affected with KCNV2-related conditions. ClinVar contains an entry for this variant (Variation ID: 1512781). Invitae Evidence Modeling of protein sequence and biophysical properties (such as structural, functional, and spatial information, amino acid conservation, physicochemical variation, residue mobility, and thermodynamic stability) indicates that this missense variant is not expected to disrupt KCNV2 protein function with a negative predictive value of 95%. In summary, the available evidence is currently insufficient to determine the role of this variant in disease. Therefore, it has been classified as a Variant of Uncertain Significance.

NM_133497.4(KCNV2):c.148A>G (p.Asn50Asp)

Gene: KCNV2 (potassium voltage-gated channel modifier subfamily V member 2; plus strand). Cytogenetic location: 9p24.2.
Variant type: single nucleotide variant.
Coding change: c.148A>G on transcript NM_133497.4 (MANE Select); coding-DNA position 148, A replaced by G.
Protein change: p.Asn50Asp; replaces asparagine 50 with aspartic acid.
Molecular consequence: missense variant.
Genome position (GRCh38, 1-based): chr9:2,717,887, A>G. VCF-style: chr9-2717887-A-G. GRCh37 (hg19) VCF-style: chr9-2717887-A-G.
Other names: short protein forms N50D.
Identifiers: ClinVar variation 1512781 (VCV001512781.6), dbSNP rs757537568, ClinGen allele CA372795801.